The following is an entry in ClinVar:

NM_001018113.3(FANCB):c.2481C>A (p.Asn827Lys)

Gene: FANCB (FA complementation group B; minus strand). Cytogenetic location: Xp22.2.
Variant type: single nucleotide variant.
Coding change: c.2481C>A on transcript NM_001018113.3 (MANE Select); coding-DNA position 2481, C replaced by A.
Protein change: p.Asn827Lys; replaces asparagine 827 with lysine.
Molecular consequence: missense variant.
Genome position (GRCh38, 1-based): chrX:14,843,666, G>T on the plus strand (C>A on the coding strand, the complement: FANCB is on the minus strand). VCF-style: chrX-14843666-G-T. GRCh37 (hg19) VCF-style: chrX-14861788-G-T.
Other names: c.2481C>A, p.Asn827Lys (NM_001324162.2, NM_001410764.1, NM_152633.4); short protein forms N827K.
Identifiers: ClinVar variation 3705332 (VCV003705332.2).

ClinVar aggregate classification (germline): Uncertain significance (1 of 4 stars; one submission).

Conditions:
Fanconi anemia (FA). Also called: Fanconi's anemia. Identifiers: Orphanet 84, MedGen C0015625, MeSH D005199, MONDO:0019391.

Submission:

Labcorp Genetics (formerly Invitae), Labcorp
Classification: Uncertain significance for Fanconi anemia. Last evaluated: 2024-04-06. Review status: criteria provided, single submitter. Criteria: Invitae Variant Classification Sherloc (09022015). Collection method: clinical testing. Allele origin: germline.
Comment: This sequence change replaces asparagine, which is neutral and polar, with lysine, which is basic and polar, at codon 827 of the FANCB protein (p.Asn827Lys). This variant is not present in population databases (gnomAD no frequency). This variant has not been reported in the literature in individuals affected with FANCB-related conditions. Advanced modeling of protein sequence and biophysical properties (such as structural, functional, and spatial information, amino acid conservation, physicochemical variation, residue mobility, and thermodynamic stability) performed at Invitae indicates that this missense variant is not expected to disrupt FANCB protein function with a negative predictive value of 80%. In summary, the available evidence is currently insufficient to determine the role of this variant in disease. Therefore, it has been classified as a Variant of Uncertain Significance.